The following is an entry in ClinVar:

NM_020975.6(RET):c.2133C>T (p.Ile711=)

Gene: RET (ret proto-oncogene; plus strand). Cytogenetic location: 10q11.21.
Variant type: single nucleotide variant.
Coding change: c.2133C>T on transcript NM_020975.6 (MANE Select); coding-DNA position 2133, C replaced by T.
Protein change: p.Ile711=; no amino-acid change (isoleucine 711 retained).
Molecular consequence: synonymous variant.
Genome position (GRCh38, 1-based): chr10:43,114,733, C>T. VCF-style: chr10-43114733-C-T. GRCh37 (hg19) VCF-style: chr10-43610181-C-T.
Other names: c.2133C>T, p.Ile711= (NM_000323.2, NM_001406743.1, NM_001406744.1 and 4 more transcripts); c.1371C>T, p.Ile457= (NM_001355216.2); c.2004C>T, p.Ile668= (NM_001406761.1, NM_001406762.1, NM_001406764.1); c.1998C>T, p.Ile666= (NM_001406763.1, NM_001406765.1); c.1845C>T, p.Ile615= (NM_001406766.1, NM_001406767.1, NM_001406770.1); c.1869C>T, p.Ile623= (NM_001406768.1); c.1737C>T, p.Ile579= (NM_001406769.1, NM_001406772.1); c.1695C>T, p.Ile565= (NM_001406771.1, NM_001406773.1); and 10 more.
Identifiers: ClinVar variation 1140038 (VCV001140038.12), dbSNP rs2132855814, ClinGen allele CA469480021.

ClinVar aggregate classification (germline): Benign/Likely benign. Review status: criteria provided, multiple submitters, no conflicts (2 of 4 stars). 3 submissions from 3 submitters: Benign (1); Likely benign (2). Last evaluated 2025-08-02.

Conditions:
Multiple endocrine neoplasia, type 2 (MEN2). Identifiers: Orphanet 653, MedGen C4048306, MONDO:0019003. Disease mechanism: gain of function.
Multiple endocrine neoplasia type 2A. Also called: MULTIPLE ENDOCRINE NEOPLASIA, TYPE IIA; PTC SYNDROME; SIPPLE SYNDROME; MEN 2A; MEN-2A syndrome; Pheochromocytoma and amyloid producing medullary thyroid carcinoma. Identifiers: Orphanet 247698, Orphanet 653, MedGen C0025268, MeSH D018813, MONDO:0008234, OMIM 171400.
Hereditary cancer-predisposing syndrome. Also called: Hereditary Cancer Syndrome; Neoplastic Syndromes, Hereditary; Hereditary neoplastic syndrome; Tumor predisposition. Identifiers: Orphanet 140162, MedGen C0027672, MeSH D009386, MONDO:0015356.

Submissions (3):

Labcorp Genetics (formerly Invitae), Labcorp
Classification: Likely benign for Multiple endocrine neoplasia, type 2. Last evaluated: 2025-08-02. Review status: criteria provided, single submitter. Criteria: Invitae Variant Classification Sherloc (09022015). Collection method: clinical testing. Allele origin: germline.

Ambry Genetics
Classification: Likely benign for Hereditary cancer-predisposing syndrome. Last evaluated: 2025-04-13. Review status: criteria provided, single submitter. Criteria: Ambry Variant Classification Scheme 2023. Collection method: clinical testing. Allele origin: germline.

Myriad Genetics, Inc.
Classification: Benign for Multiple endocrine neoplasia type 2A. Last evaluated: 2025-02-26. Review status: criteria provided, single submitter. Criteria: Myriad Autosomal Dominant, Autosomal Recessive and X-Linked Classification Criteria (2023). Collection method: clinical testing. Allele origin: unknown.
Comment: This variant is considered benign. This variant is a silent/synonymous amino acid change and it is not expected to impact splicing.